The following is an entry in ClinVar:

NM_014915.3(ANKRD26):c.242+2T>C

Gene: ANKRD26 (ankyrin repeat domain containing 26; minus strand). Cytogenetic location: 10p12.1.
Variant type: single nucleotide variant.
Coding change: c.242+2T>C on transcript NM_014915.3 (MANE Select); the canonical splice donor site of the intron after coding-DNA position 242, T replaced by C.
Molecular consequence: splice donor variant.
Genome position (GRCh38, 1-based): chr10:27,100,083, A>G on the plus strand (T>C on the coding strand, the complement: ANKRD26 is on the minus strand). VCF-style: chr10-27100083-A-G. GRCh37 (hg19) VCF-style: chr10-27389012-A-G.
Other names: c.242+2T>C (NM_001256053.2).
Identifiers: ClinVar variation 2632497 (VCV002632497.1), dbSNP rs1589392371, ClinGen allele CA376369301.

ClinVar aggregate classification (germline): Uncertain significance (1 of 4 stars; one submission).

Conditions:
ANKRD26-related disorder. Also called: ANKRD26-related condition.

gnomAD v4.1: 1 of 1,613,794 alleles (0.000062%); highest among the groups gnomAD compares: Non-Finnish European, 0.000085%; no homozygotes.

Submission:

PreventionGenetics, part of Exact Sciences
Classification: Uncertain significance for ANKRD26-related condition. Last evaluated: 2023-06-21. Review status: criteria provided, single submitter. Criteria: ACMG Guidelines, 2015. Collection method: clinical testing. Allele origin: germline.
Comment: The ANKRD26 c.242+2T>C variant is predicted to disrupt the GT donor site and interfere with normal splicing. To our knowledge, this variant has not been reported in the literature or in a large population database, indicating this variant is rare. Although this variant is expected to disrupt a canonical splice site, this gene is tolerant to this type of change on the whole, and very few have been reported in affected individuals. At this time, the clinical significance of this variant is uncertain due to the absence of conclusive functional and genetic evidence.